The following is an entry in ClinVar:

ClinVar aggregate classification (germline): Uncertain significance (0 of 4 stars; one submission).

Conditions:
TUBB6-related disorder. Also called: TUBB6-related condition.

gnomAD v4.1: 2 of 1,613,944 alleles (0.00012%); highest among the groups gnomAD compares: African/African-American, 0.0027%; no homozygotes.

Submission:

PreventionGenetics, part of Exact Sciences
Classification: Uncertain significance for TUBB6-related condition. Last evaluated: 2024-06-17. Review status: no assertion criteria provided. Collection method: clinical testing. Allele origin: germline.
Comment: The TUBB6 c.785G>A variant is predicted to result in the amino acid substitution p.Arg262His. To our knowledge, this variant has not been reported in the literature or in a large population database, indicating this variant is rare. At this time, the clinical significance of this variant is uncertain due to the absence of conclusive functional and genetic evidence.

NM_032525.3(TUBB6):c.785G>A (p.Arg262His)

Gene: TUBB6 (tubulin beta 6 class V; plus strand). Cytogenetic location: 18p11.21.
Variant type: single nucleotide variant.
Coding change: c.785G>A on transcript NM_032525.3 (MANE Select); coding-DNA position 785, G replaced by A.
Protein change: p.Arg262His; replaces arginine 262 with histidine.
Molecular consequence: missense variant. On other transcripts: intron variant (1).
Genome position (GRCh38, 1-based): chr18:12,325,574, G>A. VCF-style: chr18-12325574-G-A. GRCh37 (hg19) VCF-style: chr18-12325573-G-A.
Other names: c.785G>A, p.Arg262His (NM_001303524.1); c.674G>A, p.Arg225His (NM_001303526.2); c.569G>A, p.Arg190His (NM_001303527.2); c.590G>A, p.Arg197His (NM_001303528.2); c.347G>A, p.Arg116His (NM_001303529.3, NM_001303530.3); c.278-3572G>A (NM_001303525.2); short protein forms R116H, R190H, R197H, R225H, R262H.
Identifiers: ClinVar variation 3345102 (VCV003345102.1).